The following is an entry in ClinVar:

NM_000038.6(APC):c.8416C>G (p.Pro2806Ala)

Gene: APC (APC regulator of Wnt signaling pathway; plus strand). Cytogenetic location: 5q22.2.
Variant type: single nucleotide variant.
Coding change: c.8416C>G on transcript NM_000038.6 (MANE Select); coding-DNA position 8416, C replaced by G.
Protein change: p.Pro2806Ala; replaces proline 2806 with alanine.
Molecular consequence: missense variant.
Genome position (GRCh38, 1-based): chr5:112,844,010, C>G. VCF-style: chr5-112844010-C-G. GRCh37 (hg19) VCF-style: chr5-112179707-C-G.
Other names: c.8416C>G, p.Pro2806Ala (NM_001127510.3, NM_001354895.2); c.8362C>G, p.Pro2788Ala (NM_001127511.3); c.8470C>G, p.Pro2824Ala (NM_001354896.2); c.8446C>G, p.Pro2816Ala (NM_001354897.2); c.8341C>G, p.Pro2781Ala (NM_001354898.2); c.8332C>G, p.Pro2778Ala (NM_001354899.2); c.8293C>G, p.Pro2765Ala (NM_001354900.2); c.8239C>G, p.Pro2747Ala (NM_001354901.2); and 5 more; short protein forms P2806A, P2788A, P2705A, P2747A, P2778A, P2715A, P2816A, P2523A.
Identifiers: ClinVar variation 135726 (VCV000135726.68), dbSNP rs587780608, ClinGen allele CA015471.
Genomic context (GRCh38, chr5:112,844,010, plus strand): 5'-TACAACCCAAGCCCTAGGAAAAGCAGCGCAGATAGCACTTCAGCTCGGCCATCTCAGATC[C>G]CAACTCCAGTGAATAACAACACAAAGAAGCGAGATTCCAAAACTGACAGCACAGAATCCA-3'
Protein context (NP_000029.2, residues 2796-2816): DSTSARPSQI[Pro2806Ala]TPVNNNTKKR

ClinVar aggregate classification (germline): Uncertain significance. Review status: criteria provided, multiple submitters, no conflicts (2 of 4 stars). 13 submissions from 13 submitters: Uncertain significance (11). 2 of the submissions do not count toward it. Last evaluated 2025-01-07.

Conditions:
APC-related disorder. Also called: APC-related condition.
Classic or attenuated familial adenomatous polyposis. Identifiers: MedGen CN372698, MONDO:0021057.
Hereditary cancer-predisposing syndrome. Also called: Neoplastic Syndromes, Hereditary; Tumor predisposition; Hereditary Cancer Syndrome; Hereditary neoplastic syndrome. Identifiers: Orphanet 140162, MedGen C0027672, MeSH D009386, MONDO:0015356.
Familial adenomatous polyposis 1 (FAP1). Also called: FAMILIAL ADENOMATOUS POLYPOSIS 1, ATTENUATED; POLYPOSIS, ADENOMATOUS INTESTINAL. Identifiers: MedGen C2713442, MONDO:0021056, OMIM 175100. Disease mechanism: loss of function.

Allele frequency attached by ClinVar (database versions not stated): ExAC 0.00001; gnomAD 0.00001; gnomAD exomes 0.00001; TOPMed 0.00001.
gnomAD v4.1: 13 of 1,601,592 alleles (0.00081%); highest among the groups gnomAD compares: Non-Finnish European, 0.001%; no homozygotes.

Submissions (13):

Labcorp Genetics (formerly Invitae), Labcorp
Classification: Uncertain significance for Familial adenomatous polyposis 1. Last evaluated: 2025-01-07. Review status: criteria provided, single submitter. Criteria: Invitae Variant Classification Sherloc (09022015). Collection method: clinical testing. Allele origin: germline.
Comment: This sequence change replaces proline, which is neutral and non-polar, with alanine, which is neutral and non-polar, at codon 2806 of the APC protein (p.Pro2806Ala). This variant is present in population databases (rs587780608, gnomAD 0.002%). This variant has not been reported in the literature in individuals affected with APC-related conditions. ClinVar contains an entry for this variant (Variation ID: 135726). Invitae Evidence Modeling of protein sequence and biophysical properties (such as structural, functional, and spatial information, amino acid conservation, physicochemical variation, residue mobility, and thermodynamic stability) indicates that this missense variant is not expected to disrupt APC protein function with a negative predictive value of 95%. In summary, the available evidence is currently insufficient to determine the role of this variant in disease. Therefore, it has been classified as a Variant of Uncertain Significance.

Blueprint Genetics
Classification: Uncertain significance. Last evaluated: 2024-11-25. Review status: criteria provided, single submitter. Criteria: ACMG Guidelines, 2015. Collection method: clinical testing. Allele origin: germline.

PreventionGenetics, part of Exact Sciences
Classification: Uncertain significance for APC-related condition. Last evaluated: 2024-10-11. Review status: criteria provided, single submitter. Criteria: ACMG Guidelines, 2015. Collection method: clinical testing. Allele origin: germline.
Comment: The APC c.8416C>G variant is predicted to result in the amino acid substitution p.Pro2806Ala. To our knowledge, this variant has not been reported in the literature. This variant is reported in 2 of ~238,000 alleles in gnomAD and is interpreted as uncertain significance in ClinVar. At this time, the clinical significance of this variant is uncertain due to the absence of conclusive functional and genetic evidence.

All of Us Research Program, National Institutes of Health
Classification: Uncertain significance for Classic or attenuated familial adenomatous polyposis. Last evaluated: 2024-08-13. Review status: criteria provided, single submitter. Criteria: ACMG Guidelines, 2015. Collection method: clinical testing. Allele origin: germline. Inheritance: Autosomal dominant inheritance. Observed: 5 variant alleles, 5 heterozygotes.
Comment: This missense variant replaces proline with alanine at codon 2806 of the APC protein. Computational prediction is inconclusive regarding the impact of this variant on protein structure and function (internally defined REVEL score threshold 0.5 < inconclusive < 0.7, PMID: 27666373). To our knowledge, functional studies have not been reported for this variant. This variant has not been reported in individuals affected with APC-related disorders in the literature. This variant has been identified in 2/238294 chromosomes in the general population by the Genome Aggregation Database (gnomAD). The available evidence is insufficient to determine the role of this variant in disease conclusively. Therefore, this variant is classified as a Variant of Uncertain Significance.

This study involves interpretation of variants in research participants for the purpose of population health screening. Participant phenotype was not available at the time of variant classification. Additional details can be found in publication PMID: 35346344, PMCID: PMC8962531

Ambry Genetics
Classification: Uncertain significance for Hereditary cancer-predisposing syndrome. Last evaluated: 2024-08-10. Review status: criteria provided, single submitter. Criteria: Ambry Variant Classification Scheme 2023. Collection method: clinical testing. Allele origin: germline.
Comment: The p.P2806A variant (also known as c.8416C>G), located in coding exon 15 of the APC gene, results from a C to G substitution at nucleotide position 8416. The proline at codon 2806 is replaced by alanine, an amino acid with highly similar properties. This amino acid position is highly conserved in available vertebrate species. In addition, in silico predictors for this gene do not accurately predict pathogenicity. Since supporting evidence is limited at this time, the clinical significance of this alteration remains unclear.

Color Diagnostics, LLC DBA Color Health
Classification: Uncertain significance for Hereditary cancer-predisposing syndrome. Last evaluated: 2024-05-13. Review status: criteria provided, single submitter. Criteria: ACMG Guidelines, 2015. Collection method: clinical testing. Allele origin: germline.
Comment: This missense variant replaces proline with alanine at codon 2806 of the APC protein. Computational prediction is inconclusive regarding the impact of this variant on protein structure and function (internally defined REVEL score threshold 0.5 < inconclusive < 0.7, PMID: 27666373). To our knowledge, functional studies have not been reported for this variant. This variant has not been reported in individuals affected with APC-related disorders in the literature. This variant has been identified in 2/238294 chromosomes in the general population by the Genome Aggregation Database (gnomAD). The available evidence is insufficient to determine the role of this variant in disease conclusively. Therefore, this variant is classified as a Variant of Uncertain Significance.

Baylor Genetics
Classification: Uncertain significance for Familial adenomatous polyposis 1. Last evaluated: 2023-08-01. Review status: criteria provided, single submitter. Criteria: ACMG Guidelines, 2015. Collection method: clinical testing. Allele origin: unknown.

Myriad Genetics, Inc.
Classification: Uncertain significance for Familial adenomatous polyposis 1. Last evaluated: 2023-02-21. Review status: criteria provided, single submitter. Criteria: Myriad Autosomal Dominant, Autosomal Recessive and X-Linked Classification Criteria (2023). Collection method: clinical testing. Allele origin: unknown.
Comment: This variant is classified as a variant of uncertain significance as there is insufficient evidence to determine its impact on protein function and/or cancer risk.

GeneDx
Classification: Uncertain significance. Last evaluated: 2023-01-20. Review status: criteria provided, single submitter. Criteria: GeneDx Variant Classification Process June 2021. Collection method: clinical testing. Allele origin: germline. Affected: yes.
Comment: Not observed at significant frequency in large population cohorts (gnomAD); In silico analysis supports that this missense variant does not alter protein structure/function; Has not been previously published as pathogenic or benign to our knowledge; This variant is associated with the following publications: (PMID: 18199528, 32635641)

Sema4
Classification: Uncertain significance for Hereditary cancer-predisposing syndrome. Last evaluated: 2021-08-23. Review status: criteria provided, single submitter. Criteria: Sema4 Curation Guidelines. Collection method: curation. Allele origin: germline.
Comment: To the best of our knowledge, the APC c.8416C>G (p.P2806A) variant has not been reported in individuals with APC-related disease. It was observed in 2/109354 chromosomes of the Non-Finnish European subpopulation in the large and broad cohorts of the Genome Aggregation Database (PMID: 32461654). The variant has been reported in ClinVar (Variation ID 135726). Functional studies have not been performed, and in silico predictions of the variant's effect on protein function are inconclusive. The evidence is insufficient to meet ACMG/AMP criteria for classifying the variant as benign or pathogenic. Thus, the clinical significance of this variant is currently uncertain.

Women's Health and Genetics/Laboratory Corporation of America, LabCorp
Classification: Uncertain significance. Last evaluated: 2016-04-01. Review status: criteria provided, single submitter. Criteria: LabCorp Variant Classification Summary - May 2015. Collection method: clinical testing. Allele origin: germline.
Comment: Variant summary: The APC c.8416C>G variant affects a conserved nucleotide, resulting in amino acid change from Pro to Ala. 4/4 in-silico tools predict damaging outcome for this variant (SNPs&GO not captured due to low reliability index). This variant was found in 1/119236 control chromosomes at a frequency of 0.0000084, which does not significantly exceed maximal expected frequency of a pathogenic APC allele (0.0000602). The variant of interest has not, to our knowledge, been reported in affected individuals via publications, nor evaluated for functional impact by in vivo/vitro studies. One clinical lab has classified the variant as a VUS. Because of the absence of clinical information and the lack of functional studies, the variant was classified as a variant of uncertain significance (VUS) until additional information becomes available.

Counsyl
Classification: Uncertain significance for Familial adenomatous polyposis 1. Last evaluated: 2015-11-21. Review status: no assertion criteria provided. Collection method: clinical testing. Allele origin: unknown. Not counted in ClinVar's aggregate classification.

Department of Pathology and Laboratory Medicine, Sinai Health System
Classification: Uncertain significance. Review status: no assertion criteria provided. Collection method: clinical testing. Allele origin: unknown. Affected: yes. Study: The Canadian Open Genetics Repository (COGR). Not counted in ClinVar's aggregate classification.
Comment: The APC, p.Pro2806Ala variant was identified in the ClinVar database (classified as an uncertain significance variant by the Invitae). This variant was also identified in the Exome Aggregation Consortium (ExAC) database (released Oct 20th, 2014) in 1 of 120590 chromosomes from a population of European (Non-Finnish) individuals, although this low number of observations is not substantive enough to determine the prevalence of the variant in the general population and its relationship to disease. The p.Pro2806 residue is conserved across mammals and lower organisms, and four out of five computational analyses (PolyPhen-2, SIFT, AlignGVGD, BLOSUM, MutationTaster) suggest that the p.Pro2806 variant may impact the protein. However, this information is not predictive enough to assume pathogenicity. In summary, based on the above information, the clinical significance of this variant cannot be determined with certainty at this time. This variant is classified as a variant of unknown significance.